The following is an entry in ClinVar:

NM_024675.4(PALB2):c.427_440del (p.Leu143fs)

Gene: PALB2 (partner and localizer of BRCA2; minus strand). Cytogenetic location: 16p12.2.
Variant type: Deletion.
Coding change: c.427_440del on transcript NM_024675.4 (MANE Select); coding-DNA positions 427 to 440, 14 bases deleted (CTGCCAAGCAGAAG).
Protein change: p.Leu143fs; shifts the reading frame from leucine 143.
Molecular consequence: frameshift variant. On other transcripts: intron variant (3), 5 prime UTR variant (8).
Genome position (GRCh38, 1-based): chr16:23,636,106-23,636,119, CTTCTGCTTGGCAG deleted on the plus strand (CTGCCAAGCAGAAG on the coding strand, the reverse complement: PALB2 is on the minus strand); deleting any 14 consecutive bases within chr16:23,636,106-23,636,128 gives the same sequence; the c. name uses the placement nearest the transcript's 3' end. VCF-style (leftmost placement, unchanged base first): chr16-23636105-TCTTCTGCTTGGCAG-T. GRCh37 (hg19) VCF-style: chr16-23647426-TCTTCTGCTTGGCAG-T.
Other names: c.48+4991_48+5004del (NM_001407314.1); c.-105+4991_-105+5004del (NM_001407313.1, NM_001407312.1); c.367_380del, p.Leu123fs (NM_001407296.1); c.427_440del, p.Leu143fs (NM_001407297.1, NM_001407298.1, NM_001407299.1 and 3 more transcripts); c.-459_-446del (NM_001407304.1, NM_001407305.1, NM_001407306.1 and 5 more transcripts); short protein forms L123fs, L143fs.
Identifiers: ClinVar variation 5018780 (VCV005018780.2).

ClinVar aggregate classification (germline): Likely pathogenic (1 of 4 stars; one submission).

Conditions:
Breast-ovarian cancer, familial, susceptibility to, 5 (BROVCA5). Identifiers: MedGen C5830615, MONDO:0957530, OMIM 620442.

Submission:

Juno Genomics, Hangzhou Juno Genomics, Inc
Classification: Likely pathogenic for Breast-ovarian cancer, familial, susceptibility to, 5. Review status: criteria provided, single submitter. Criteria: ACMG Guidelines, 2015. Collection method: clinical testing. Allele origin: germline.
Comment: Absent from controls (or at extremely low frequency if recessive) in Genome Aggregation Database.;Null variant in a gene where loss of function (LOF) is a known mechanism of disease.